The following is an entry in ClinVar:

ClinVar aggregate classification (germline): Uncertain significance. Review status: criteria provided, multiple submitters, no conflicts (2 of 4 stars). 6 submissions from 5 submitters: Uncertain significance (6). Last evaluated 2024-08-22.

Conditions:
Retinal dystrophy. Also called: Inherited retinal dystrophy. Identifiers: Orphanet 71862, MedGen C0854723, MeSH D058499, MONDO:0019118, HP:0000556.
Leber congenital amaurosis 2 (LCA2). Also called: AMAUROSIS CONGENITA OF LEBER II; Autosomal Recessive RPE65-Related Retinal Degeneration. Identifiers: Orphanet 65, MedGen C1859844, MONDO:0008765, OMIM 204100. Disease mechanism: loss of function.
Retinitis pigmentosa 20 (RP20). Identifiers: Orphanet 791, MedGen C3151086, MONDO:0013425, OMIM 613794.
Retinitis pigmentosa 87 with choroidal involvement. Identifiers: MedGen C5231465, MONDO:0032873, OMIM 618697.
Retinitis pigmentosa (RP). Identifiers: Orphanet 791, MedGen C0035334, MeSH D012174, MONDO:0019200, OMIM 268000. Inheritance: Autosomal dominant, autosomal recessive and X linked inheritance.

Allele frequency attached by ClinVar (database versions not stated): TOPMed 0.00001; gnomAD 0.00003 and 0.00006; gnomAD exomes 0.00006 and 0.00014; ExAC 0.00007; 1000 Genomes Project 30x 0.00016; 1000 Genomes Project 0.00020.
gnomAD v4.1: 207 of 1,614,160 alleles (0.013%); highest among the groups gnomAD compares: East Asian, 0.45%; 1 homozygote.

Submissions (6):

Labcorp Genetics (formerly Invitae), Labcorp
Classification: Uncertain significance for Leber congenital amaurosis 2; Retinitis pigmentosa 20. Last evaluated: 2024-08-22. Review status: criteria provided, single submitter. Criteria: Invitae Variant Classification Sherloc (09022015). Collection method: clinical testing. Allele origin: germline.
Comment: This sequence change replaces glycine, which is neutral and non-polar, with glutamic acid, which is acidic and polar, at codon 75 of the RPE65 protein (p.Gly75Glu). This variant is present in population databases (rs201062742, gnomAD 0.08%). This variant has not been reported in the literature in individuals affected with RPE65-related conditions. ClinVar contains an entry for this variant (Variation ID: 298025). Invitae Evidence Modeling of protein sequence and biophysical properties (such as structural, functional, and spatial information, amino acid conservation, physicochemical variation, residue mobility, and thermodynamic stability) has been performed for this missense variant. However, the output from this modeling did not meet the statistical confidence thresholds required to predict the impact of this variant on RPE65 protein function. In summary, the available evidence is currently insufficient to determine the role of this variant in disease. Therefore, it has been classified as a Variant of Uncertain Significance.

Dept Of Ophthalmology, Nagoya University
Classification: Uncertain significance for Retinal dystrophy. Last evaluated: 2023-10-01. Review status: criteria provided, single submitter. Criteria: Submitter's publication. Collection method: research. Allele origin: germline. Affected: yes.

Fulgent Genetics
Classification: Uncertain significance for Leber congenital amaurosis 2; Retinitis pigmentosa 20; Retinitis pigmentosa 87 with choroidal involvement. Last evaluated: 2021-10-26. Review status: criteria provided, single submitter. Criteria: ACMG Guidelines, 2015. Collection method: clinical testing. Allele origin: unknown.

Blueprint Genetics
Classification: Uncertain significance. Last evaluated: 2020-05-26. Review status: criteria provided, single submitter. Criteria: ACMG Guidelines, 2015. Collection method: clinical testing. Allele origin: germline.

Illumina Laboratory Services, Illumina
Classification: Uncertain significance for Leber congenital amaurosis 2. Last evaluated: 2018-01-13. Review status: criteria provided, single submitter. Criteria: ICSL Variant Classification Criteria 13 December 2019. Collection method: clinical testing. Allele origin: germline.

Illumina Laboratory Services, Illumina
Classification: Uncertain significance for Retinitis pigmentosa. Last evaluated: 2018-01-13. Review status: criteria provided, single submitter. Criteria: ICSL Variant Classification Criteria 13 December 2019. Collection method: clinical testing. Allele origin: germline.

NM_000329.3(RPE65):c.224G>A (p.Gly75Glu)

Gene: RPE65 (retinoid isomerohydrolase RPE65; minus strand). Cytogenetic location: 1p31.3.
Variant type: single nucleotide variant.
Coding change: c.224G>A on transcript NM_000329.3 (MANE Select); coding-DNA position 224, G replaced by A.
Protein change: p.Gly75Glu; replaces glycine 75 with glutamic acid.
Molecular consequence: missense variant.
Genome position (GRCh38, 1-based): chr1:68,446,731, C>T on the plus strand (G>A on the coding strand, the complement: RPE65 is on the minus strand). VCF-style: chr1-68446731-C-T. GRCh37 (hg19) VCF-style: chr1-68912414-C-T.
Other names: short protein forms G75E.
Identifiers: ClinVar variation 298025 (VCV000298025.12), dbSNP rs201062742, ClinGen allele CA902578.